The following is an entry in ClinVar:

ClinVar aggregate classification (germline): Conflicting classifications of pathogenicity. Review status: criteria provided, conflicting classifications (1 of 4 stars). 4 submissions from 4 submitters: Uncertain significance (3); Likely benign (1). Last evaluated 2024-12-12.

Conditions:
Monogenic diabetes. Identifiers: Orphanet 183625, MedGen C3888631, MONDO:0015967.
Maturity-onset diabetes of the young (MODY). Also called: Maturity onset diabetes mellitus in young. Identifiers: Orphanet 552, MedGen C0342276, MONDO:0018911, HP:0004904.

Allele frequency attached by ClinVar (database versions not stated): gnomAD exomes 0.00001; ExAC 0.00002; TOPMed 0.00002.
gnomAD v4.1: 24 of 1,613,952 alleles (0.0015%); highest among the groups gnomAD compares: Non-Finnish European, 0.0019%; no homozygotes.

Submissions (4):

GeneDx
Classification: Uncertain significance. Last evaluated: 2024-12-12. Review status: criteria provided, single submitter. Criteria: GeneDx Variant Classification Process June 2021. Collection method: clinical testing. Allele origin: germline. Affected: yes.
Comment: Not observed at significant frequency in large population cohorts (gnomAD); In silico analysis indicates that this missense variant does not alter protein structure/function; Has not been previously published as pathogenic or benign in association with HNF4A-related disorders to our knowledge; This variant is associated with the following publications: (PMID: 35118593, 18268044, 35052457, 32583173, 17563455, 31785789)

Labcorp Genetics (formerly Invitae), Labcorp
Classification: Uncertain significance. Last evaluated: 2022-05-25. Review status: criteria provided, single submitter. Criteria: Invitae Variant Classification Sherloc (09022015). Collection method: clinical testing. Allele origin: germline.
Comment: This sequence change replaces proline, which is neutral and non-polar, with alanine, which is neutral and non-polar, at codon 357 of the HNF4A protein (p.Pro357Ala). This variant is present in population databases (rs201319115, gnomAD 0.0009%). This variant has not been reported in the literature in individuals affected with HNF4A-related conditions. ClinVar contains an entry for this variant (Variation ID: 917411). Algorithms developed to predict the effect of missense changes on protein structure and function output the following: SIFT: "Tolerated"; PolyPhen-2: "Benign"; Align-GVGD: "Class C0". The alanine amino acid residue is found in multiple mammalian species, which suggests that this missense change does not adversely affect protein function. In summary, the available evidence is currently insufficient to determine the role of this variant in disease. Therefore, it has been classified as a Variant of Uncertain Significance.

Personalized Diabetes Medicine Program, University of Maryland School of Medicine
Classification: Uncertain significance for Monogenic diabetes. Last evaluated: 2018-01-09. Review status: criteria provided, single submitter. Criteria: ACMG Guidelines, 2015. Collection method: research. Allele origin: unknown. Observed: 1 variant allele, 1 heterozygote.
Comment: ACMG criteria: BP4 (9 predictors), NOTE: only one copy in ExAC=VUS

Clinical Genomics, Uppaluri K&H Personalized Medicine Clinic
Classification: Likely benign for Maturity-onset diabetes of the young. Review status: criteria provided, single submitter. Criteria: K & H Uppaluri Personalized Medicine Clinic Variant Classification & Assertion Criteria_Updated V.1. Collection method: research. Allele origin: unknown. Inheritance: Autosomal dominant inheritance.
Comment: Potent mutations in HNF4A are associated with poor insulin secretion in response to hyperglycemia. Associated with MODY1. Patients initially respond well to sulfonylureas but eventually become insulin dependent. However, more evidence is required to ascertain the role of this particular variant rs201319115 in MODY, yet.

Literature cited by the submitters: DOI 10.1159/000334532 (cited by Clinical Genomics, Uppaluri K&H Personalized Medicine Clinic); PubMed 18268044 (cited by Clinical Genomics, Uppaluri K&H Personalized Medicine Clinic); PubMed 17563455 (cited by Clinical Genomics, Uppaluri K&H Personalized Medicine Clinic); PubMed 32583173 (cited by Clinical Genomics, Uppaluri K&H Personalized Medicine Clinic); PubMed 35052457 (cited by Clinical Genomics, Uppaluri K&H Personalized Medicine Clinic); PubMed 35118593 (cited by Clinical Genomics, Uppaluri K&H Personalized Medicine Clinic).

NM_175914.5(HNF4A):c.1069C>G (p.Pro357Ala)

Gene: HNF4A (hepatocyte nuclear factor 4 alpha; plus strand). Cytogenetic location: 20q13.12.
Variant type: single nucleotide variant.
Coding change: c.1069C>G on transcript NM_175914.5 (MANE Select); coding-DNA position 1069, C replaced by G.
Protein change: p.Pro357Ala; replaces proline 357 with alanine.
Molecular consequence: missense variant.
Genome position (GRCh38, 1-based): chr20:44,428,340, C>G. VCF-style: chr20-44428340-C-G. GRCh37 (hg19) VCF-style: chr20-43056980-C-G.
Other names: c.1069C>G (NM_175914.3); c.1135C>G, p.Pro379Ala (NM_000457.6, NM_178849.3); c.1069C>G, p.Pro357Ala (NM_001030003.3); c.1114C>G, p.Pro372Ala (NM_001258355.2); c.1060C>G, p.Pro354Ala (NM_001287182.2, NM_001287183.2); short protein forms P354A, P357A, P372A, P379A.
Identifiers: ClinVar variation 917411 (VCV000917411.10), dbSNP rs201319115, ClinGen allele CA9870471.
Genomic context (GRCh38, chr20:44,428,340, plus strand): 5'-GGCCTGAGGTCTGCATCCCAGACTCTCCATCCTGATCGACCTTCTCTACCTGCAGGGTCC[C>G]CCAGCGATGCACCCCATGCCCACCACCCCCTGCACCCTCACCTGATGCAGGAACATATGG-3'
Protein context (NP_787110.2, residues 347-367): LLQEMLLGGS[Pro357Ala]SDAPHAHHPL